The following is an entry in ClinVar:

ClinVar aggregate classification (germline): Uncertain significance (1 of 4 stars; one submission).

Allele frequency attached by ClinVar (database versions not stated): gnomAD 0.00001; gnomAD exomes 0.00001 and 0.00002; TOPMed 0.00001; ExAC 0.00003.
gnomAD v4.1: 19 of 1,612,344 alleles (0.0012%); highest among the groups gnomAD compares: Admixed American, 0.005%; no homozygotes.

Submission:

GeneDx
Classification: Uncertain significance. Last evaluated: 2019-04-16. Review status: criteria provided, single submitter. Criteria: GeneDx Variant Classification Process June 2021. Collection method: clinical testing. Allele origin: germline. Affected: yes.
Comment: Not observed at a significant frequency in large population cohorts; In silico analysis, which includes protein predictors and evolutionary conservation, supports a deleterious effect; Has not been previously published as pathogenic or benign to our knowledge

NM_014855.3(AP5Z1):c.2332C>T (p.Arg778Cys)

Gene: AP5Z1 (adaptor related protein complex 5 subunit zeta 1; plus strand). Cytogenetic location: 7p22.1.
Variant type: single nucleotide variant.
Coding change: c.2332C>T on transcript NM_014855.3 (MANE Select); coding-DNA position 2332, C replaced by T.
Protein change: p.Arg778Cys; replaces arginine 778 with cysteine.
Molecular consequence: missense variant. On other transcripts: non-coding transcript variant (1).
Genome position (GRCh38, 1-based): chr7:4,791,293, C>T. VCF-style: chr7-4791293-C-T. GRCh37 (hg19) VCF-style: chr7-4830924-C-T.
Other names: c.1864C>T, p.Arg622Cys (NM_001364858.1); short protein forms R622C, R778C.
Identifiers: ClinVar variation 1305158 (VCV001305158.2), dbSNP rs773259805, ClinGen allele CA4138434.